The following is an entry in ClinVar:

ClinVar aggregate classification (germline): Likely pathogenic (1 of 4 stars; one submission).

Conditions:
Bethlem myopathy 1A. Also called: Bethlem Muscular Dystrophy; MYOPATHY, BENIGN CONGENITAL, WITH CONTRACTURES; Bethlem myopathy 1. Identifiers: Orphanet 610, MedGen CN029274, MONDO:0024530, OMIM 158810.

Submission:

Labcorp Genetics (formerly Invitae), Labcorp
Classification: Likely pathogenic for Bethlem myopathy 1A. Last evaluated: 2021-04-01. Review status: criteria provided, single submitter. Criteria: Invitae Variant Classification Sherloc (09022015). Collection method: clinical testing. Allele origin: germline.
Comment: This variant has not been reported in the literature in individuals with COL6A3-related conditions. In summary, the currently available evidence indicates that the variant is pathogenic, but additional data are needed to prove that conclusively. Therefore, this variant has been classified as Likely Pathogenic. This variant results in the deletion of exon(s) 10-14 and part of exon 9 (c.3859_6063+507del) of the COL6A3 gene. It is expected to disrupt RNA splicing. Variants that disrupt the donor or acceptor splice site typically lead to a loss of protein function (PMID: 16199547), and loss-of-function variants in COL6A3 are known to be pathogenic (PMID: 26004199).

Literature cited by the submitters: PubMed 16199547; PubMed 26004199.

NC_000002.12:g.(?_237362747)_(237372158_?)del

Gene: COL6A3 (collagen type VI alpha 3 chain; minus strand). Cytogenetic location: 2q37.3.
Variant type: Deletion.
Identifiers: ClinVar variation 476404 (VCV000476404.3).